The following is an entry in ClinVar:

ClinVar aggregate classification (germline): Uncertain significance (1 of 4 stars; one submission).

Submission:

Labcorp Genetics (formerly Invitae), Labcorp
Classification: Uncertain significance. Last evaluated: 2025-06-12. Review status: criteria provided, single submitter. Criteria: Invitae Variant Classification Sherloc (09022015). Collection method: clinical testing. Allele origin: germline.
Comment: This sequence change falls in intron 10 of the ACER3 gene. It does not directly change the encoded amino acid sequence of the ACER3 protein. It affects a nucleotide within the consensus splice site. This variant is not present in population databases (gnomAD no frequency). This variant has not been reported in the literature in individuals affected with ACER3-related conditions. ClinVar contains an entry for this variant (Variation ID: 3696600). Variants that disrupt the consensus splice site are a relatively common cause of aberrant splicing (PMID: 17576681, 9536098). Algorithms developed to predict the effect of sequence changes on RNA splicing suggest that this variant is not likely to affect RNA splicing. In summary, the available evidence is currently insufficient to determine the role of this variant in disease. Therefore, it has been classified as a Variant of Uncertain Significance.

Literature cited by the submitters: PubMed 17576681; PubMed 9536098.

NM_018367.7(ACER3):c.750+6T>A

Gene: ACER3 (alkaline ceramidase 3; plus strand). Cytogenetic location: 11q13.5.
Variant type: single nucleotide variant.
Coding change: c.750+6T>A on transcript NM_018367.7 (MANE Select); 6 bases into the intron after coding-DNA position 750, T replaced by A.
Molecular consequence: intron variant.
Genome position (GRCh38, 1-based): chr11:77,019,782, T>A. VCF-style: chr11-77019782-T-A. GRCh37 (hg19) VCF-style: chr11-76730826-T-A.
Other names: c.465+6T>A (NM_001300954.2, NM_001300955.2); c.639+6T>A (NM_001300953.2).
Identifiers: ClinVar variation 3696600 (VCV003696600.2).